The following is an entry in ClinVar:

NM_003919.3(SGCE):c.147T>G (p.Asn49Lys)

Genes: CASD1 (CAS1 domain sialic acid O acetyltransferase 1; plus strand), SGCE (sarcoglycan epsilon; minus strand). Cytogenetic location: 7q21.3.
Variant type: single nucleotide variant.
Coding change: c.147T>G on transcript NM_003919.3 (MANE Select); coding-DNA position 147, T replaced by G.
Protein change: p.Asn49Lys; replaces asparagine 49 with lysine.
Molecular consequence: missense variant. On other transcripts: 5 prime UTR variant (2), intron variant (2).
Genome position (GRCh38, 1-based): chr7:94,629,804, A>C on the plus strand (T>G on the coding strand, the complement: SGCE is on the minus strand). VCF-style: chr7-94629804-A-C. GRCh37 (hg19) VCF-style: chr7-94259116-A-C.
Other names: c.147T>G, p.Asn49Lys (NM_001099400.2, NM_001099401.2, NM_001346717.2); c.255T>G, p.Asn85Lys (NM_001346713.2, NM_001346715.2); c.60T>G, p.Asn20Lys (NM_001346719.2, NM_001362807.2); c.-127T>G (NM_001346720.2, NM_001362808.2); c.110-1445T>G (NM_001362809.2, NM_001301139.2); short protein forms N20K, N49K, N85K.
Identifiers: ClinVar variation 864760 (VCV000864760.9), dbSNP rs772230342, ClinGen allele CA4348879.
Genomic context (GRCh38, chr7:94,629,804, plus strand): 5'-CCCCTTAAAATATTCTCTTTCCAAAACATGAACAAAGAGGACACCTGCTGATGGGTATAC[A>C]TTCCGATCGGAGTGTACCTTGGAGAAAATACTGTACACTGAAAACAAAGAGGAAAGATAA-3'
Protein context (NP_003910.1, residues 39-59): SIFSKVHSDR[Asn49Lys]VYPSAGVLFV

ClinVar aggregate classification (germline): Uncertain significance (1 of 4 stars; one submission).

Conditions:
Myoclonic dystonia 11 (DYT11). Also called: Myoclonic dystonia; DYT-SGCE; Dystonia 11; Dystonia, alcohol responsive; Hereditary essential myoclonus; SGCE Myoclonus-Dystonia. Identifiers: Orphanet 36899, MedGen C1834570, MONDO:0008044, OMIM 159900.

Allele frequency attached by ClinVar (database versions not stated): gnomAD 0.00001; gnomAD exomes 0.00002 and 0.00008; ExAC 0.00003; TOPMed 0.00004.
gnomAD v4.1: 31 of 1,610,996 alleles (0.0019%); highest among the groups gnomAD compares: Admixed American, 0.025%; no homozygotes.

Submission:

Labcorp Genetics (formerly Invitae), Labcorp
Classification: Uncertain significance for Myoclonic dystonia 11. Last evaluated: 2026-01-26. Review status: criteria provided, single submitter. Criteria: Invitae Variant Classification Sherloc (09022015). Collection method: clinical testing. Allele origin: germline.
Comment: This sequence change replaces asparagine, which is neutral and polar, with lysine, which is basic and polar, at codon 49 of the SGCE protein (p.Asn49Lys). This variant is present in population databases (rs772230342, gnomAD 0.04%), and has an allele count higher than expected for a pathogenic variant. This missense change has been observed in individual(s) with progressive myoclonus epilepsy (PMID: 25401298). ClinVar contains an entry for this variant (Variation ID: 864760). Invitae Evidence Modeling of protein sequence and biophysical properties (such as structural, functional, and spatial information, amino acid conservation, physicochemical variation, residue mobility, and thermodynamic stability) indicates that this missense variant is not expected to disrupt SGCE protein function with a negative predictive value of 80%. In summary, the available evidence is currently insufficient to determine the role of this variant in disease. Therefore, it has been classified as a Variant of Uncertain Significance.

Literature cited by the submitters: PubMed 25401298.